The following is an entry in ClinVar:

NM_152641.4(ARID2):c.4438G>C (p.Gly1480Arg)

Gene: ARID2 (AT-rich interaction domain 2; plus strand). Cytogenetic location: 12q12.
Variant type: single nucleotide variant.
Coding change: c.4438G>C on transcript NM_152641.4 (MANE Select); coding-DNA position 4438, G replaced by C.
Protein change: p.Gly1480Arg; replaces glycine 1480 with arginine.
Molecular consequence: missense variant.
Genome position (GRCh38, 1-based): chr12:45,852,561, G>C. VCF-style: chr12-45852561-G-C. GRCh37 (hg19) VCF-style: chr12-46246344-G-C.
Other names: c.4438G>C, p.Gly1480Arg (NM_001347839.2); c.4438G>C (NM_152641.2); short protein forms G1480R.
Identifiers: ClinVar variation 133569 (VCV000133569.2), dbSNP rs587778056, ClinGen allele CA156966.

ClinVar aggregate classification (germline): Uncertain significance. Review status: criteria provided, single submitter (1 of 4 stars). 2 submissions from 2 submitters: Uncertain significance (1). 1 of the submissions does not count toward it. Last evaluated 2024-02-12.

Allele frequency attached by ClinVar (database versions not stated): ExAC 0.00001; gnomAD exomes 0.00001.
gnomAD v4.1: 4 of 1,614,046 alleles (0.00025%); highest among the groups gnomAD compares: Middle Eastern, 0.033%; no homozygotes.

Submissions (2):

GeneDx
Classification: Uncertain significance. Last evaluated: 2024-02-12. Review status: criteria provided, single submitter. Criteria: GeneDx Variant Classification Process June 2021. Collection method: clinical testing. Allele origin: germline. Affected: yes.
Comment: In silico analysis supports that this missense variant does not alter protein structure/function; Has not been previously published as pathogenic or benign to our knowledge

ITMI
No classification provided. Condition: AllHighlyPenetrant. Last evaluated: 2013-09-19. Review status: no classification provided. Collection method: reference population. Allele origin: germline. Not counted in ClinVar's aggregate classification.
Comment: Please see associated publication for description of ethnicities

Literature cited by the submitters: PubMed 24728327 (cited by ITMI).